The following is an entry in ClinVar:

NM_020751.3(COG6):c.1946C>T (p.Pro649Leu)

Gene: COG6 (component of oligomeric golgi complex 6; plus strand). Cytogenetic location: 13q14.11.
Variant type: single nucleotide variant.
Coding change: c.1946C>T on transcript NM_020751.3 (MANE Select); coding-DNA position 1946, C replaced by T.
Protein change: p.Pro649Leu; replaces proline 649 with leucine.
Molecular consequence: missense variant. On other transcripts: non-coding transcript variant (1), intron variant (1).
Genome position (GRCh38, 1-based): chr13:39,751,065, C>T. VCF-style: chr13-39751065-C-T. GRCh37 (hg19) VCF-style: chr13-40325202-C-T.
Other names: c.1826+23517C>T (NM_001145079.2); short protein forms P649L.
Identifiers: ClinVar variation 1304162 (VCV001304162.4), dbSNP rs750264415, ClinGen allele CA6958852.

ClinVar aggregate classification (germline): Uncertain significance. Review status: criteria provided, multiple submitters, no conflicts (2 of 4 stars). 3 submissions from 3 submitters: Uncertain significance (3). Last evaluated 2026-04-17.

Conditions:
COG6-related disorder.
Inborn genetic diseases. Identifiers: MedGen C0950123, MeSH D030342.

gnomAD v4.1: 60 of 1,613,500 alleles (0.0037%); highest among the groups gnomAD compares: South Asian, 0.025%; no homozygotes.

Submissions (3):

PreventionGenetics, part of Exact Sciences
Classification: Uncertain significance for COG6-related condition. Last evaluated: 2026-04-17. Review status: criteria provided, single submitter. Criteria: ACMG Guidelines, 2015. Collection method: clinical testing. Allele origin: germline.
Comment: The COG6 c.1946C>T variant is predicted to result in the amino acid substitution p.Pro649Leu. To our knowledge, this variant has not been reported in the literature. This variant is reported in 0.036% of alleles in individuals of South Asian descent in gnomAD. At this time, the clinical significance of this variant is uncertain due to the absence of conclusive functional and genetic evidence.

Ambry Genetics
Classification: Uncertain significance for Inborn genetic diseases. Last evaluated: 2023-11-22. Review status: criteria provided, single submitter. Criteria: Ambry Variant Classification Scheme 2023. Collection method: clinical testing. Allele origin: germline.

GeneDx
Classification: Uncertain significance. Last evaluated: 2020-01-23. Review status: criteria provided, single submitter. Criteria: GeneDx Variant Classification Process June 2021. Collection method: clinical testing. Allele origin: germline. Affected: yes.
Comment: Has not been previously published as pathogenic or benign to our knowledge; In silico analysis, which includes protein predictors and evolutionary conservation, supports a deleterious effect